The following is an entry in ClinVar:

NM_014989.7(RIMS1):c.4613C>A (p.Ala1538Glu)

Gene: RIMS1 (regulating synaptic membrane exocytosis 1; plus strand). Cytogenetic location: 6q13.
Variant type: single nucleotide variant.
Coding change: c.4613C>A on transcript NM_014989.7 (MANE Select); coding-DNA position 4613, C replaced by A.
Protein change: p.Ala1538Glu; replaces alanine 1538 with glutamic acid.
Molecular consequence: missense variant.
Genome position (GRCh38, 1-based): chr6:72,392,805, C>A. VCF-style: chr6-72392805-C-A. GRCh37 (hg19) VCF-style: chr6-73102507-C-A.
Other names: c.2573C>A, p.Ala858Glu (NM_001168407.2); c.1988C>A, p.Ala663Glu (NM_001168408.2, NM_001350430.2); c.1817C>A, p.Ala606Glu (NM_001168409.2); c.2015C>A, p.Ala672Glu (NM_001168410.2); c.194C>A, p.Ala65Glu (NM_001168411.2); c.2534C>A, p.Ala845Glu (NM_001350414.2); c.2630C>A, p.Ala877Glu (NM_001350415.2); c.2579C>A, p.Ala860Glu (NM_001350416.2); and 54 more; short protein forms A611E, A672E, A674E, A702E, A727E, A755E, A768E, A811E.
Identifiers: ClinVar variation 1045534 (VCV001045534.8), dbSNP rs2098720562, ClinGen allele CA364819530.

ClinVar aggregate classification (germline): Uncertain significance (1 of 4 stars; one submission).

gnomAD v4.1: 1 of 1,597,124 alleles (0.000063%); highest among the groups gnomAD compares: Non-Finnish European, 0.000086%; no homozygotes.

Submission:

Labcorp Genetics (formerly Invitae), Labcorp
Classification: Uncertain significance. Last evaluated: 2020-10-22. Review status: criteria provided, single submitter. Criteria: Invitae Variant Classification Sherloc (09022015). Collection method: clinical testing. Allele origin: germline.
Comment: This sequence change replaces alanine with glutamic acid at codon 1538 of the RIMS1 protein (p.Ala1538Glu). The alanine residue is highly conserved and there is a moderate physicochemical difference between alanine and glutamic acid. This variant is not present in population databases (ExAC no frequency). This variant has not been reported in the literature in individuals with RIMS1-related conditions. Algorithms developed to predict the effect of missense changes on protein structure and function are either unavailable or do not agree on the potential impact of this missense change (SIFT: "Deleterious"; PolyPhen-2: "Benign"; Align-GVGD: "Class C0"). In summary, the available evidence is currently insufficient to determine the role of this variant in disease. Therefore, it has been classified as a Variant of Uncertain Significance.